The following is an entry in ClinVar:

NM_001903.5(CTNNA1):c.522A>C (p.Gly174=)

Gene: CTNNA1 (catenin alpha 1; plus strand). Cytogenetic location: 5q31.2.
Variant type: single nucleotide variant.
Coding change: c.522A>C on transcript NM_001903.5 (MANE Select); coding-DNA position 522, A replaced by C.
Protein change: p.Gly174=; no amino-acid change (glycine 174 retained).
Molecular consequence: synonymous variant.
Genome position (GRCh38, 1-based): chr5:138,812,236, A>C. VCF-style: chr5-138812236-A-C. GRCh37 (hg19) VCF-style: chr5-138147925-A-C.
Other names: c.522A>C, p.Gly174= (NM_001290307.3, NM_001323982.2, NM_001323983.1 and 3 more transcripts); c.213A>C, p.Gly71= (NM_001290309.3); c.153A>C, p.Gly51= (NM_001290310.3).
Identifiers: ClinVar variation 1746188 (VCV001746188.6), dbSNP rs2532348683, ClinGen allele CA446591399.

ClinVar aggregate classification (germline): Benign/Likely benign. Review status: criteria provided, multiple submitters, no conflicts (2 of 4 stars). 3 submissions from 3 submitters: Benign (1); Likely benign (2). Last evaluated 2024-12-10.

Conditions:
Hereditary cancer-predisposing syndrome. Also called: Neoplastic Syndromes, Hereditary; Tumor predisposition; Hereditary Cancer Syndrome; Hereditary neoplastic syndrome. Identifiers: Orphanet 140162, MedGen C0027672, MeSH D009386, MONDO:0015356.
Hereditary diffuse gastric adenocarcinoma (HDGC). Also called: DIFFUSE GASTRIC AND LOBULAR BREAST CANCER SYNDROME. Identifiers: Orphanet 26106, MedGen C1708349, MONDO:0007648, OMIM 137215.

Submissions (3):

Labcorp Genetics (formerly Invitae), Labcorp
Classification: Likely benign. Last evaluated: 2024-12-10. Review status: criteria provided, single submitter. Criteria: Invitae Variant Classification Sherloc (09022015). Collection method: clinical testing. Allele origin: germline.

Myriad Genetics, Inc.
Classification: Benign for Hereditary diffuse gastric adenocarcinoma. Last evaluated: 2024-10-10. Review status: criteria provided, single submitter. Criteria: Myriad Autosomal Dominant, Autosomal Recessive and X-Linked Classification Criteria (2023). Collection method: clinical testing. Allele origin: unknown.
Comment: This variant is considered benign. This variant is a silent/synonymous amino acid change and it is not expected to impact splicing.

Ambry Genetics
Classification: Likely benign for Hereditary cancer-predisposing syndrome. Last evaluated: 2020-01-21. Review status: criteria provided, single submitter. Criteria: Ambry Variant Classification Scheme 2023. Collection method: clinical testing. Allele origin: germline.